The following is an entry in ClinVar:

NM_001077653.2(TBX20):c.61del (p.Ala21fs)

Gene: TBX20 (T-box transcription factor 20; minus strand). Cytogenetic location: 7p14.2.
Variant type: Deletion.
Coding change: c.61del on transcript NM_001077653.2 (MANE Select); coding-DNA position 61, one base deleted (G; older notation c.61delG).
Protein change: p.Ala21fs; shifts the reading frame from alanine 21.
Molecular consequence: frameshift variant.
Genome position (GRCh38, 1-based): chr7:35,253,560, C deleted on the plus strand (G on the coding strand, the reverse complement: TBX20 is on the minus strand). VCF-style (leftmost placement, unchanged base first): chr7-35253559-GC-G. GRCh37 (hg19) VCF-style: chr7-35293170-GC-G.
Other names: c.61del, p.Ala21fs (NM_001166220.1); short protein forms A21fs.
Identifiers: ClinVar variation 4722730 (VCV004722730.1).

ClinVar aggregate classification (germline): Pathogenic (1 of 4 stars; one submission).

Submission:

Labcorp Genetics (formerly Invitae), Labcorp
Classification: Pathogenic. Last evaluated: 2025-07-06. Review status: criteria provided, single submitter. Criteria: Invitae Variant Classification Sherloc (09022015). Collection method: clinical testing. Allele origin: germline.
Comment: This sequence change creates a premature translational stop signal (p.Ala21Profs*38) in the TBX20 gene. It is expected to result in an absent or disrupted protein product. Loss-of-function variants in TBX20 are known to be pathogenic (PMID: 15901664, 25625280, 26118961, 27510170). This variant is not present in population databases (gnomAD no frequency). This variant has not been reported in the literature in individuals affected with TBX20-related conditions. For these reasons, this variant has been classified as Pathogenic.

Literature cited by the submitters: PubMed 15901664; PubMed 25625280; PubMed 26118961; PubMed 27510170.